The following is an entry in ClinVar:

NM_002528.7(NTHL1):c.425C>T (p.Ala142Val)

Gene: NTHL1 (nth like DNA glycosylase 1; minus strand). Cytogenetic location: 16p13.3.
Variant type: single nucleotide variant.
Coding change: c.425C>T on transcript NM_002528.7 (MANE Select); coding-DNA position 425, C replaced by T.
Protein change: p.Ala142Val; replaces alanine 142 with valine.
Molecular consequence: missense variant. On other transcripts: intron variant (1).
Genome position (GRCh38, 1-based): chr16:2,044,730, G>A on the plus strand (C>T on the coding strand, the complement: NTHL1 is on the minus strand). VCF-style: chr16-2044730-G-A. GRCh37 (hg19) VCF-style: chr16-2094731-G-A.
Other names: c.95C>T, p.Ala32Val (NM_001318194.2); c.355-1004C>T (NM_001318193.2); short protein forms A32V, A142V.
Identifiers: ClinVar variation 4760211 (VCV004760211.1).

ClinVar aggregate classification (germline): Uncertain significance (1 of 4 stars; one submission).

Submission:

Labcorp Genetics (formerly Invitae), Labcorp
Classification: Uncertain significance. Last evaluated: 2025-03-07. Review status: criteria provided, single submitter. Criteria: Invitae Variant Classification Sherloc (09022015). Collection method: clinical testing. Allele origin: germline.
Comment: This sequence change replaces alanine, which is neutral and non-polar, with valine, which is neutral and non-polar, at codon 150 of the NTHL1 protein (p.Ala150Val). This variant is not present in population databases (gnomAD no frequency). This variant has not been reported in the literature in individuals affected with NTHL1-related conditions. An algorithm developed to predict the effect of missense changes on protein structure and function (PolyPhen-2) suggests that this variant is likely to be disruptive. In summary, the available evidence is currently insufficient to determine the role of this variant in disease. Therefore, it has been classified as a Variant of Uncertain Significance.